The following is an entry in ClinVar:

ClinVar aggregate classification (germline): Pathogenic (1 of 4 stars; one submission).

Conditions:
Fanconi anemia (FA). Also called: Fanconi's anemia. Identifiers: Orphanet 84, MedGen C0015625, MeSH D005199, MONDO:0019391.

Submission:

Labcorp Genetics (formerly Invitae), Labcorp
Classification: Pathogenic for Fanconi anemia. Last evaluated: 2023-03-13. Review status: criteria provided, single submitter. Criteria: Invitae Variant Classification Sherloc (09022015). Collection method: clinical testing. Allele origin: unknown.
Comment: For these reasons, this variant has been classified as Pathogenic. This variant has not been reported in the literature in individuals affected with FANCI-related conditions. This variant results in the deletion of exons 29-30 and part of exon 31 of the FANCI gene. It is expected to disrupt RNA splicing. Variants that disrupt the donor or acceptor splice site typically lead to a loss of protein function (PMID: 16199547), and loss-of-function variants in FANCI are known to be pathogenic (PMID: 17452773, 17460694).

Literature cited by the submitters: PubMed 16199547; PubMed 17452773; PubMed 17460694.

NC_000015.9:g.(?_89847877)_(89848838_?)del

Gene: FANCI (FA complementation group I; plus strand). Cytogenetic location: 15q26.1.
Variant type: Deletion.
Identifiers: ClinVar variation 3243709 (VCV003243709.1).